The following is an entry in ClinVar:

ClinVar aggregate classification (germline): Uncertain significance (1 of 4 stars; one submission).

Conditions:
ABCA13-related disorder. Also called: ABCA13-related condition.

Submission:

PreventionGenetics, part of Exact Sciences
Classification: Uncertain significance for ABCA13-related condition. Last evaluated: 2026-04-21. Review status: criteria provided, single submitter. Criteria: ACMG Guidelines, 2015. Collection method: clinical testing. Allele origin: germline.
Comment: The ABCA13 c.11627C>T variant is predicted to result in the amino acid substitution p.Thr3876Ile. To our knowledge, this variant has not been reported in the literature or in a large population database (gnomAD), indicating this variant is rare. At this time, the clinical significance of this variant is uncertain due to the absence of conclusive functional and genetic evidence.

NM_152701.5(ABCA13):c.11627C>T (p.Thr3876Ile)

Gene: ABCA13 (ATP binding cassette subfamily A member 13; plus strand). Cytogenetic location: 7p12.3.
Variant type: single nucleotide variant.
Coding change: c.11627C>T on transcript NM_152701.5 (MANE Select); coding-DNA position 11627, C replaced by T.
Protein change: p.Thr3876Ile; replaces threonine 3876 with isoleucine.
Molecular consequence: missense variant.
Genome position (GRCh38, 1-based): chr7:48,389,193, C>T. VCF-style: chr7-48389193-C-T. GRCh37 (hg19) VCF-style: chr7-48428790-C-T.
Other names: short protein forms T3876I.
Identifiers: ClinVar variation 4984233 (VCV004984233.1).
Genomic context (GRCh38, chr7:48,389,193, plus strand): 5'-CTGTGGTCCAAGACCTCAGCCTGACCTTCTACAGAGACCAAATCACCGCCCTGCTGGGGA[C>T]AAACGGTGCCGGGAAAACCACTATCATGTGGGTCCCATTTTACCCTTATCAAACACTGGG-3'
Protein context (NP_689914.3, residues 3866-3886): YRDQITALLG[Thr3876Ile]NGAGKTTIIS